The following is an entry in ClinVar:

ClinVar aggregate classification (germline): Uncertain significance (1 of 4 stars; one submission).

Conditions:
Myopathy, reducing body, X-linked, childhood-onset (RBMX1B). Also called: REDUCING BODY MYOPATHY, X-LINKED 1B, WITH LATE CHILDHOOD OR ADULT ONSET. Identifiers: Orphanet 97239, MedGen C4225159, MONDO:0010415, OMIM 300718.

Submission:

Foundation for Research in Genetics and Endocrinology, FRIGE's Institute of Human Genetics
Classification: Uncertain significance for Myopathy, reducing body, X-linked, childhood-onset. Last evaluated: 2025-07-08. Review status: criteria provided, single submitter. Criteria: ACMG Guidelines, 2015. Collection method: clinical testing. Allele origin: germline. Inheritance: X-linked inheritance. Affected: yes. Observed: 1 heterozygote.
Comment: The heterozygous in-frame deletion variant c.402_419del(p.Gly135_Lys140del) has been detected in the FHL1 gene and results in an 18-base pair deletion, corresponding to codons 135 to 140, leading to the in-frame loss of six amino acids (Gly135_Lys140) in the encoded protein. This variant has not been reported in population frequency databases such as gnomAD and in ExAC. In summary, the variant meets our criteria to be classified as variant of uncertain significance.

NM_001159699.2(FHL1):c.402_419del (p.Gly135_Lys140del)

Gene: FHL1 (four and a half LIM domains 1; plus strand). Cytogenetic location: Xq26.3.
Variant type: Deletion.
Coding change: c.402_419del on transcript NM_001159699.2 (MANE Select); coding-DNA positions 402 to 419, 18 bases deleted (GGGGACCGTCTGGCACAA).
Protein change: p.Gly135_Lys140del.
Molecular consequence: non-coding transcript variant (on NR_027621.2).
Genome position (GRCh38, 1-based): chrX:136,207,814-136,207,831, GGGGACCGTCTGGCACAA deleted; deleting any 18 consecutive bases within chrX:136,207,810-136,207,831 gives the same sequence; the c. name uses the placement nearest the transcript's 3' end. VCF-style (leftmost placement, unchanged base first): chrX-136207809-TACAAGGGGACCGTCTGGC-T. GRCh37 (hg19) VCF-style: chrX-135289968-TACAAGGGGACCGTCTGGC-T.
Other names: p.Gly135_Lys140del; c.354_371del, p.Gly119_Lys124del (NM_001159704.1, NM_001167819.1, NM_001369331.1 and 9 more transcripts); c.402_419del, p.Gly135_Lys140del (NM_001330659.2); c.441_458del, p.Gly148_Lys153del (NM_001159701.2).
Identifiers: ClinVar variation 4073525 (VCV004073525.1).